The following is an entry in ClinVar:

ClinVar aggregate classification (germline): Conflicting classifications of pathogenicity. Review status: criteria provided, conflicting classifications (1 of 4 stars). 3 submissions from 3 submitters: Uncertain significance (2); Likely benign (1). Last evaluated 2025-09-26.

Allele frequency attached by ClinVar (database versions not stated): gnomAD 0.00005; gnomAD exomes 0.00006; TOPMed 0.00007; ESP Exome Variant Server 0.00008; ExAC 0.00016.

Submissions (3):

Ambry Genetics
Classification: Uncertain significance. Last evaluated: 2025-09-26. Review status: criteria provided, single submitter. Criteria: Ambry Variant Classification Scheme 2023. Collection method: clinical testing. Allele origin: germline.

Labcorp Genetics (formerly Invitae), Labcorp
Classification: Uncertain significance. Last evaluated: 2024-04-11. Review status: criteria provided, single submitter. Criteria: Invitae Variant Classification Sherloc (09022015). Collection method: clinical testing. Allele origin: germline.
Comment: This sequence change replaces aspartic acid, which is acidic and polar, with glycine, which is neutral and non-polar, at codon 565 of the ERCC5 protein (p.Asp565Gly). This variant is present in population databases (rs370456073, gnomAD 0.1%), including at least one homozygous and/or hemizygous individual. This variant has not been reported in the literature in individuals affected with ERCC5-related conditions. ClinVar contains an entry for this variant (Variation ID: 2643920). An algorithm developed to predict the effect of missense changes on protein structure and function (PolyPhen-2) suggests that this variant is likely to be disruptive. In summary, the available evidence is currently insufficient to determine the role of this variant in disease. Therefore, it has been classified as a Variant of Uncertain Significance.

CeGaT Center for Human Genetics Tuebingen
Classification: Likely benign. Last evaluated: 2024-04-01. Review status: criteria provided, single submitter. Criteria: CeGaT Center For Human Genetics Tuebingen Variant Classification Criteria Version 2. Collection method: clinical testing. Allele origin: germline. Affected: yes. Observed: 2 variant alleles.
Comment: ERCC5: BP4

NM_000123.4(ERCC5):c.1694A>G (p.Asp565Gly)

Genes: BIVM-ERCC5 (BIVM-ERCC5 readthrough; plus strand), ERCC5 (ERCC excision repair 5, endonuclease; plus strand). Cytogenetic location: 13q33.1.
Variant type: single nucleotide variant.
Coding change: c.1694A>G on transcript NM_000123.4 (MANE Select); coding-DNA position 1694, A replaced by G.
Protein change: p.Asp565Gly; replaces aspartic acid 565 with glycine.
Molecular consequence: missense variant.
Genome position (GRCh38, 1-based): chr13:102,862,843, A>G. VCF-style: chr13-102862843-A-G. GRCh37 (hg19) VCF-style: chr13-103515193-A-G.
Other names: c.3056A>G (NM_001204425.1); c.3056A>G, p.Asp1019Gly (NM_001204425.2); short protein forms D1019G, D565G.
Identifiers: ClinVar variation 2643920 (VCV002643920.25), dbSNP rs370456073, ClinGen allele CA7041457.